The following is an entry in ClinVar:

ClinVar aggregate classification (germline): Uncertain significance (1 of 4 stars; one submission).

Conditions:
Carney complex, type 1 (CNC1). Also called: CARNEY COMPLEX, TYPE I; CARNEY MYXOMA-ENDOCRINE COMPLEX. Identifiers: Orphanet 1359, MedGen C2607929, MONDO:0008057, OMIM 160980.

Submission:

Labcorp Genetics (formerly Invitae), Labcorp
Classification: Uncertain significance for Carney complex, type 1. Last evaluated: 2024-08-28. Review status: criteria provided, single submitter. Criteria: Invitae Variant Classification Sherloc (09022015). Collection method: clinical testing. Allele origin: germline.
Comment: This sequence change replaces arginine, which is basic and polar, with serine, which is neutral and polar, at codon 13 of the PRKAR1A protein (p.Arg13Ser). This variant is not present in population databases (gnomAD no frequency). This variant has not been reported in the literature in individuals affected with PRKAR1A-related conditions. An algorithm developed to predict the effect of missense changes on protein structure and function (PolyPhen-2) suggests that this variant is likely to be tolerated. In summary, the available evidence is currently insufficient to determine the role of this variant in disease. Therefore, it has been classified as a Variant of Uncertain Significance.

NM_002734.5(PRKAR1A):c.37C>A (p.Arg13Ser)

Gene: PRKAR1A (protein kinase cAMP-dependent type I regulatory subunit alpha; plus strand). Cytogenetic location: 17q24.2.
Variant type: single nucleotide variant.
Coding change: c.37C>A on transcript NM_002734.5 (MANE Select); coding-DNA position 37, C replaced by A.
Protein change: p.Arg13Ser; replaces arginine 13 with serine.
Molecular consequence: missense variant.
Genome position (GRCh38, 1-based): chr17:68,515,436, C>A. VCF-style: chr17-68515436-C-A. GRCh37 (hg19) VCF-style: chr17-66511577-C-A.
Other names: c.37C>A, p.Arg13Ser (NM_001276289.2, NM_001276290.1, NM_001278433.2 and 4 more transcripts); short protein forms R13S.
Identifiers: ClinVar variation 3619892 (VCV003619892.2).
Genomic context (GRCh38, chr17:68,515,436, plus strand): 5'-TGTGTTTTTTTCTCGCAGAGAACCATGGAGTCTGGCAGTACCGCCGCCAGTGAGGAGGCA[C>A]GCAGCCTTCGAGAATGTGAGCTCTACGTCCAGAAGCATAACATTCAAGCGCTGCTCAAAG-3'
Protein context (NP_002725.1, residues 3-23): SGSTAASEEA[Arg13Ser]SLRECELYVQ